The following is an entry in ClinVar:

ClinVar aggregate classification (germline): Pathogenic (1 of 4 stars; one submission).

Conditions:
Hereditary cancer-predisposing syndrome. Also called: Neoplastic Syndromes, Hereditary; Tumor predisposition; Hereditary Cancer Syndrome; Hereditary neoplastic syndrome. Identifiers: Orphanet 140162, MedGen C0027672, MeSH D009386, MONDO:0015356.
Cardiovascular phenotype. Identifiers: MedGen CN230736.

Submission:

Ambry Genetics
Classification: Pathogenic for Cardiovascular phenotype; Hereditary cancer-predisposing syndrome. Last evaluated: 2022-07-01. Review status: criteria provided, single submitter. Criteria: Ambry Variant Classification Scheme 2023. Collection method: clinical testing. Allele origin: germline.
Comment: The c.2160dupG pathogenic mutation, located in coding exon 18 of the NF1 gene, results from a duplication of G at nucleotide position 2160, causing a translational frameshift with a predicted alternate stop codon (p.C721Vfs*5). This variant is considered to be rare based on population cohorts in the Genome Aggregation Database (gnomAD). This alteration is expected to result in loss of function by premature protein truncation or nonsense-mediated mRNA decay. As such, this alteration is interpreted as a disease-causing mutation.

NM_001042492.3(NF1):c.2160dup (p.Cys721fs)

Gene: NF1 (neurofibromin 1; plus strand). Cytogenetic location: 17q11.2.
Variant type: Duplication.
Coding change: c.2160dup on transcript NM_001042492.3 (MANE Select); coding-DNA position 2160, one base duplicated (G; older notation c.2160dupG).
Protein change: p.Cys721fs; shifts the reading frame from cysteine 721.
Molecular consequence: frameshift variant.
Genome position (GRCh38, 1-based): chr17:31,226,593, G duplicated; the last of 2 consecutive G bases (chr17:31,226,592-31,226,593); duplicating either gives the same sequence. VCF-style (leftmost placement, unchanged base first): chr17-31226591-C-CG. GRCh37 (hg19) VCF-style: chr17-29553609-C-CG.
Other names: c.2160dup, p.Cys721Valfs (NM_000267.4); c.2160dupG (NM_000267.3); short protein forms C721fs.
Identifiers: ClinVar variation 1786905 (VCV001786905.2), dbSNP rs2508157264, ClinGen allele CA2580093163.